The following is an entry in ClinVar:

ClinVar aggregate classification (germline): Uncertain significance (1 of 4 stars; one submission).

Allele frequency attached by ClinVar (database versions not stated): TOPMed below 0.00001.

Submission:

Labcorp Genetics (formerly Invitae), Labcorp
Classification: Uncertain significance. Last evaluated: 2023-11-14. Review status: criteria provided, single submitter. Criteria: Invitae Variant Classification Sherloc (09022015). Collection method: clinical testing. Allele origin: germline.
Comment: This sequence change results in a frameshift in the RAX2 gene (p.Leu100Aspfs*115). While this is not anticipated to result in nonsense mediated decay, it is expected to disrupt the last 85 amino acid(s) of the RAX2 protein and extend the protein by 29 additional amino acid residues. This variant is not present in population databases (gnomAD no frequency). This variant has not been reported in the literature in individuals affected with RAX2-related conditions. Experimental studies and prediction algorithms are not available or were not evaluated, and the functional significance of this variant is currently unknown. In summary, the available evidence is currently insufficient to determine the role of this variant in disease. Therefore, it has been classified as a Variant of Uncertain Significance.

NM_001319074.4(RAX2):c.292_293dup (p.Leu100fs)

Gene: RAX2 (retina and anterior neural fold homeobox 2; minus strand). Cytogenetic location: 19p13.3.
Variant type: Duplication.
Coding change: c.292_293dup on transcript NM_001319074.4 (MANE Select); coding-DNA positions 292 to 293, 2 bases duplicated (CC; older notation c.292_293dupCC).
Protein change: p.Leu100fs; shifts the reading frame from leucine 100.
Molecular consequence: frameshift variant.
Genome position (GRCh38, 1-based): chr19:3,770,883-3,770,884, GG duplicated on the plus strand (CC on the coding strand, the reverse complement: RAX2 is on the minus strand). VCF-style (leftmost placement, unchanged base first): chr19-3770882-C-CGG. GRCh37 (hg19) VCF-style: chr19-3770880-C-CGG.
Other names: c.292_293dup, p.Leu100fs (NM_032753.4); short protein forms L100fs.
Identifiers: ClinVar variation 2695967 (VCV002695967.3), dbSNP rs2037249841, ClinGen allele CA2319043739.